The following is an entry in ClinVar:

ClinVar aggregate classification (germline): Likely pathogenic (1 of 4 stars; one submission).

Conditions:
Bainbridge-Ropers syndrome. Also called: Severe feeding difficulties-failure to thrive-microcephaly due to ASXL3 deficiency syndrome. Identifiers: Orphanet 352577, MedGen C4750837, MONDO:0014205, OMIM 615485.

Submission:

Juno Genomics, Hangzhou Juno Genomics, Inc
Classification: Likely pathogenic for Bainbridge-Ropers syndrome. Review status: criteria provided, single submitter. Criteria: ACMG Guidelines, 2015. Collection method: clinical testing. Allele origin: germline. Affected: yes.
Comment: Absent from controls (or at extremely low frequency if recessive) in Genome Aggregation Database.;Null variant in a gene where loss of function (LOF) is a known mechanism of disease.

NM_030632.3(ASXL3):c.2346delinsTT (p.Gln782fs)

Gene: ASXL3 (ASXL transcriptional regulator 3; plus strand). Cytogenetic location: 18q12.1.
Variant type: Indel.
Coding change: c.2346delinsTT on transcript NM_030632.3 (MANE Select); coding-DNA position 2346, G replaced by TT.
Protein change: p.Gln782fs; shifts the reading frame from glutamine 782.
Molecular consequence: frameshift variant.
Genome position (GRCh38, 1-based): chr18:33,739,750, G replaced by TT. VCF-style: chr18-33739750-G-TT. GRCh37 (hg19) VCF-style: chr18-31319714-G-TT.
Other names: short protein forms Q782fs.
Identifiers: ClinVar variation 5019797 (VCV005019797.1).